The following is an entry in ClinVar:

ClinVar aggregate classification (germline): Likely benign. Review status: criteria provided, single submitter (1 of 4 stars). 2 submissions from 2 submitters: Likely benign (1). 1 of the submissions does not count toward it. Last evaluated 2025-10-20.

Conditions:
PGM3-related disorder. Also called: PGM3-related condition.
Immunodeficiency 23 (IMD23). Also called: IMMUNODEFICIENCY WITH HYPER IgE AND COGNITIVE IMPAIRMENT; IMMUNODEFICIENCY-VASCULITIS-MYOCLONUS SYNDROME. Identifiers: Orphanet 443811, MedGen C4014371, MONDO:0014353, OMIM 615816.

gnomAD v4.1: 7 of 1,604,358 alleles (0.00044%); highest among the groups gnomAD compares: Admixed American, 0.0017%; no homozygotes.

Submissions (2):

Labcorp Genetics (formerly Invitae), Labcorp
Classification: Likely benign for Immunodeficiency 23. Last evaluated: 2025-10-20. Review status: criteria provided, single submitter. Criteria: Invitae Variant Classification Sherloc (09022015). Collection method: clinical testing. Allele origin: germline.

PreventionGenetics, part of Exact Sciences
Classification: Likely benign for PGM3-related condition. Last evaluated: 2023-11-26. Review status: no assertion criteria provided. Collection method: clinical testing. Allele origin: germline. Not counted in ClinVar's aggregate classification.
Comment: This variant is classified as likely benign based on ACMG/AMP sequence variant interpretation guidelines (Richards et al. 2015 PMID: 25741868, with internal and published modifications).

NM_015599.3(PGM3):c.945+8G>C

Gene: PGM3 (phosphoglucomutase 3; minus strand). Cytogenetic location: 6q14.1.
Variant type: single nucleotide variant.
Coding change: c.945+8G>C on transcript NM_015599.3 (MANE Select); 8 bases into the intron after coding-DNA position 945, G replaced by C.
Molecular consequence: intron variant.
Genome position (GRCh38, 1-based): chr6:83,179,802, C>G on the plus strand (G>C on the coding strand, the complement: PGM3 is on the minus strand). VCF-style: chr6-83179802-C-G. GRCh37 (hg19) VCF-style: chr6-83889521-C-G.
Other names: c.1029+8G>C (NM_001199917.2, NM_001367287.1, NM_001199917.1); c.702+8G>C (NM_001199918.2); c.945+8G>C (NM_001367286.1, NM_001199919.2).
Identifiers: ClinVar variation 1943992 (VCV001943992.7), dbSNP rs1000781954, ClinGen allele CA2580075929.